The following is an entry in ClinVar:

NM_000360.4(TH):c.977+1G>A

Gene: TH (tyrosine hydroxylase; minus strand). Cytogenetic location: 11p15.5.
Variant type: single nucleotide variant.
Coding change: c.977+1G>A on transcript NM_000360.4 (MANE Select); the canonical splice donor site of the intron after coding-DNA position 977, G replaced by A.
Molecular consequence: splice donor variant.
Genome position (GRCh38, 1-based): chr11:2,166,632, C>T on the plus strand (G>A on the coding strand, the complement: TH is on the minus strand). VCF-style: chr11-2166632-C-T. GRCh37 (hg19) VCF-style: chr11-2187862-C-T.
Other names: c.1070+1G>A (NM_199292.2, NM_199292.3); c.1058+1G>A (NM_199293.3).
Identifiers: ClinVar variation 370745 (VCV000370745.7), dbSNP rs1057516736, ClinGen allele CA16041462.

ClinVar aggregate classification (germline): Likely pathogenic. Review status: criteria provided, multiple submitters, no conflicts (2 of 4 stars). 3 submissions from 3 submitters: Likely pathogenic (2). 1 of the submissions does not count toward it. Last evaluated 2023-04-22.

Conditions:
TH-deficient dopa-responsive dystonia. Also called: Segawa syndrome, autosomal recessive; Tyrosine Hydroxylase-Deficient Dopa-Responsive Dystonia; DYT-TH. Identifiers: Orphanet 101150, MedGen C2673535, MONDO:0011551, OMIM 605407.

Allele frequency attached by ClinVar (database versions not stated): gnomAD exomes below 0.00001; TOPMed 0.00002.
gnomAD v4.1: 2 of 1,579,766 alleles (0.00013%); highest among the groups gnomAD compares: South Asian, 0.0012%; no homozygotes.

Submissions (3):

Baylor Genetics
Classification: Likely pathogenic for TH-deficient dopa-responsive dystonia. Last evaluated: 2023-04-22. Review status: criteria provided, single submitter. Criteria: ACMG Guidelines, 2015. Collection method: clinical testing. Allele origin: unknown.

Labcorp Genetics (formerly Invitae), Labcorp
Classification: Likely pathogenic for TH-deficient dopa-responsive dystonia. Last evaluated: 2023-03-26. Review status: criteria provided, single submitter. Criteria: Invitae Variant Classification Sherloc (09022015). Collection method: clinical testing. Allele origin: germline.
Comment: Disruption of this splice site has been observed in individual(s) with dopa-responsive dystonia (DRD)-plus (PMID: 32185155). This sequence change affects a donor splice site in intron 9 of the TH gene. It is expected to disrupt RNA splicing. Variants that disrupt the donor or acceptor splice site typically lead to a loss of protein function (PMID: 16199547), and loss-of-function variants in TH are known to be pathogenic (PMID: 22264700, 24753243). This variant is not present in population databases (gnomAD no frequency). ClinVar contains an entry for this variant (Variation ID: 370745). Algorithms developed to predict the effect of sequence changes on RNA splicing suggest that this variant may disrupt the consensus splice site. In summary, the currently available evidence indicates that the variant is pathogenic, but additional data are needed to prove that conclusively. Therefore, this variant has been classified as Likely Pathogenic.

Counsyl
Classification: Likely pathogenic for TH-deficient dopa-responsive dystonia. Last evaluated: 2016-04-05. Review status: no assertion criteria provided. Collection method: clinical testing. Allele origin: unknown. Not counted in ClinVar's aggregate classification.

Literature cited by the submitters: PubMed 32185155 (cited by Labcorp Genetics (formerly Invitae), Labcorp); PubMed 16199547 (cited by Labcorp Genetics (formerly Invitae), Labcorp); PubMed 22264700 (cited by Labcorp Genetics (formerly Invitae), Labcorp); PubMed 24753243 (cited by Labcorp Genetics (formerly Invitae), Labcorp).